The following is an entry in ClinVar:

NM_006514.4(SCN10A):c.4735C>T (p.Arg1579Ter)

Gene: SCN10A (sodium voltage-gated channel alpha subunit 10; minus strand). Cytogenetic location: 3p22.2.
Variant type: single nucleotide variant.
Coding change: c.4735C>T on transcript NM_006514.4 (MANE Select); coding-DNA position 4735, C replaced by T.
Protein change: p.Arg1579Ter; replaces arginine 1579 with a stop codon.
Molecular consequence: nonsense.
Genome position (GRCh38, 1-based): chr3:38,698,485, G>A on the plus strand (C>T on the coding strand, the complement: SCN10A is on the minus strand). VCF-style: chr3-38698485-G-A. GRCh37 (hg19) VCF-style: chr3-38739976-G-A.
Other names: c.4732C>T, p.Arg1578Ter (NM_001293306.2); c.4441C>T, p.Arg1481Ter (NM_001293307.2); short protein forms R1481*, R1578*, R1579*.
Identifiers: ClinVar variation 2563725 (VCV002563725.2), dbSNP rs751743006, ClinGen allele CA2319824.

ClinVar aggregate classification (germline): Uncertain significance (1 of 4 stars; one submission).

Conditions:
Cardiovascular phenotype. Identifiers: MedGen CN230736.

Allele frequency attached by ClinVar (database versions not stated): ExAC 0.00001.
gnomAD v4.1: 16 of 1,614,176 alleles (0.00099%); highest among the groups gnomAD compares: Middle Eastern, 0.016%; no homozygotes.

Submission:

Ambry Genetics
Classification: Uncertain significance for Cardiovascular phenotype. Last evaluated: 2023-06-09. Review status: criteria provided, single submitter. Criteria: Ambry Variant Classification Scheme 2023. Collection method: clinical testing. Allele origin: germline.
Comment: The p.R1579* variant (also known as c.4735C>T), located in coding exon 27 of the SCN10A gene, results from a C to T substitution at nucleotide position 4735. This changes the amino acid from an arginine to a stop codon within coding exon 27. This alteration is expected to result in loss of function by premature protein truncation or nonsense-mediated mRNA decay. However, the evidence for this gene-disease relationship is limited; therefore, the clinical significance of this alteration is unclear.